The following is an entry in ClinVar:

NM_001378457.1(DMXL2):c.4437G>A (p.Thr1479=)

Gene: DMXL2 (Dmx like 2; minus strand). Cytogenetic location: 15q21.2.
Variant type: single nucleotide variant.
Coding change: c.4437G>A on transcript NM_001378457.1 (MANE Select); coding-DNA position 4437, G replaced by A.
Protein change: p.Thr1479=; no amino-acid change (threonine 1479 retained).
Molecular consequence: synonymous variant. On other transcripts: non-coding transcript variant (2), intron variant (2).
Genome position (GRCh38, 1-based): chr15:51,498,787, C>T on the plus strand (G>A on the coding strand, the complement: DMXL2 is on the minus strand). VCF-style: chr15-51498787-C-T. GRCh37 (hg19) VCF-style: chr15-51790984-C-T.
Other names: c.4437G>A, p.Thr1479= (NM_001174116.3, NM_001378458.1, NM_001378459.1 and 4 more transcripts); c.4197G>A, p.Thr1399= (NM_001378464.1); c.2765-7040G>A (NM_001378460.1); c.2765-3653G>A (NM_001174117.3); c.4437G>A (NM_001174116.1).
Identifiers: ClinVar variation 1694750 (VCV001694750.35), dbSNP rs183800427, ClinGen allele CA7562014.

ClinVar aggregate classification (germline): Likely benign. Review status: criteria provided, multiple submitters, no conflicts (2 of 4 stars). 3 submissions from 3 submitters: Likely benign (3). Last evaluated 2025-08-30.

Conditions:
DMXL2-related disorder. Also called: DMXL2-related condition.

Allele frequency attached by ClinVar (database versions not stated): gnomAD exomes below 0.00001 and 0.00001; ExAC 0.00001; gnomAD 0.00001; 1000 Genomes Project 30x 0.00016; 1000 Genomes Project 0.00020.
gnomAD v4.1: 5 of 1,614,074 alleles (0.00031%); highest among the groups gnomAD compares: East Asian, 0.0022%; no homozygotes.

Submissions (3):

Labcorp Genetics (formerly Invitae), Labcorp
Classification: Likely benign. Last evaluated: 2025-08-30. Review status: criteria provided, single submitter. Criteria: Invitae Variant Classification Sherloc (09022015). Collection method: clinical testing. Allele origin: germline.

PreventionGenetics, part of Exact Sciences
Classification: Likely benign for DMXL2-related condition. Last evaluated: 2024-12-16. Review status: criteria provided, single submitter. Criteria: ACMG Guidelines, 2015. Collection method: clinical testing. Allele origin: germline.
Comment: This variant is classified as likely benign based on ACMG/AMP sequence variant interpretation guidelines (Richards et al. 2015 PMID: 25741868, with internal and published modifications).

CeGaT Center for Human Genetics Tuebingen
Classification: Likely benign. Last evaluated: 2022-06-01. Review status: criteria provided, single submitter. Criteria: CeGaT Center For Human Genetics Tuebingen Variant Classification Criteria Version 2. Collection method: clinical testing. Allele origin: germline. Affected: yes. Observed: 1 variant allele.
Comment: DMXL2: BP4, BP7